The following is an entry in ClinVar:

NM_001605.3(AARS1):c.2017del (p.Leu673fs)

Gene: AARS1 (alanyl-tRNA synthetase 1; minus strand). Cytogenetic location: 16q22.1.
Variant type: Deletion.
Coding change: c.2017del on transcript NM_001605.3 (MANE Select); coding-DNA position 2017, one base deleted (C; older notation c.2017delC).
Protein change: p.Leu673fs; shifts the reading frame from leucine 673.
Molecular consequence: frameshift variant.
Genome position (GRCh38, 1-based): chr16:70,258,193, G deleted on the plus strand (C on the coding strand, the reverse complement: AARS1 is on the minus strand); the first of 5 consecutive G bases (chr16:70,258,193-70,258,197); deleting any one gives the same sequence. VCF-style (leftmost placement, unchanged base first): chr16-70258192-AG-A. GRCh37 (hg19) VCF-style: chr16-70292095-AG-A.
Other names: c.2017delC (NM_001605.2); short protein forms L673fs.
Identifiers: ClinVar variation 412289 (VCV000412289.6), dbSNP rs781347519, ClinGen allele CA8140585.
Genomic context (GRCh38, chr16:70,258,192, plus strand): 5'-GGGTCAGGATAGGTCTCATCAAACACAGCCCGTAGGCCCTGGATGGCTTTCGCTGCTGCC[AG>A]GGGGCAATCCTGGGTATAGACGGCCTGCCAGACCAAGAAGACAGAAAAGAGCTGGAAGAG-3'

ClinVar aggregate classification (germline): Pathogenic (1 of 4 stars; one submission).

Conditions:
Charcot-Marie-Tooth disease type 2. Also called: Charcot-Marie-Tooth type 2. Identifiers: Orphanet 64746, MedGen C0270914, MONDO:0018993.

Submission:

Labcorp Genetics (formerly Invitae), Labcorp
Classification: Pathogenic for Charcot-Marie-Tooth disease type 2. Last evaluated: 2023-08-10. Review status: criteria provided, single submitter. Criteria: Invitae Variant Classification Sherloc (09022015). Collection method: clinical testing. Allele origin: germline.
Comment: For these reasons, this variant has been classified as Pathogenic. ClinVar contains an entry for this variant (Variation ID: 412289). This variant has not been reported in the literature in individuals affected with AARS-related conditions. The frequency data for this variant in the population databases is considered unreliable, as metrics indicate poor data quality at this position in the gnomAD database. This sequence change creates a premature translational stop signal (p.Leu673Trpfs*45) in the AARS gene. It is expected to result in an absent or disrupted protein product. Loss-of-function variants in AARS are known to be pathogenic (PMID: 25817015, 28493438, 34446925).

Literature cited by the submitters: PubMed 25817015; PubMed 28493438; PubMed 34446925.